The following is an entry in ClinVar:

NM_003906.5(MCM3AP):c.1223C>G (p.Ser408Cys)

Gene: MCM3AP (minichromosome maintenance complex component 3 associated protein; minus strand). Cytogenetic location: 21q22.3.
Variant type: single nucleotide variant.
Coding change: c.1223C>G on transcript NM_003906.5 (MANE Select); coding-DNA position 1223, C replaced by G.
Protein change: p.Ser408Cys; replaces serine 408 with cysteine.
Molecular consequence: missense variant.
Genome position (GRCh38, 1-based): chr21:46,283,835, G>C on the plus strand (C>G on the coding strand, the complement: MCM3AP is on the minus strand). VCF-style: chr21-46283835-G-C. GRCh37 (hg19) VCF-style: chr21-47703749-G-C.
Other names: short protein forms S408C.
Identifiers: ClinVar variation 1373221 (VCV001373221.3), dbSNP rs1601551549, ClinGen allele CA410532219.

ClinVar aggregate classification (germline): Uncertain significance (1 of 4 stars; one submission).

Allele frequency attached by ClinVar (database versions not stated): gnomAD exomes below 0.00001.
gnomAD v4.1: 1 of 1,611,204 alleles (0.000062%); highest among the groups gnomAD compares: South Asian, 0.0011%; no homozygotes.

Submission:

Labcorp Genetics (formerly Invitae), Labcorp
Classification: Uncertain significance. Last evaluated: 2022-07-05. Review status: criteria provided, single submitter. Criteria: Invitae Variant Classification Sherloc (09022015). Collection method: clinical testing. Allele origin: germline.
Comment: This sequence change replaces serine, which is neutral and polar, with cysteine, which is neutral and slightly polar, at codon 408 of the MCM3AP protein (p.Ser408Cys). This variant is not present in population databases (gnomAD no frequency). This variant has not been reported in the literature in individuals affected with MCM3AP-related conditions. ClinVar contains an entry for this variant (Variation ID: 1373221). Algorithms developed to predict the effect of missense changes on protein structure and function are either unavailable or do not agree on the potential impact of this missense change (SIFT: "Deleterious"; PolyPhen-2: "Benign"; Align-GVGD: "Class C0"). In summary, the available evidence is currently insufficient to determine the role of this variant in disease. Therefore, it has been classified as a Variant of Uncertain Significance.